The following is an entry in ClinVar:

NM_015107.3(PHF8):c.192dup (p.Arg65fs)

Gene: PHF8 (PHD finger protein 8; minus strand). Cytogenetic location: Xp11.22.
Variant type: Duplication.
Coding change: c.192dup on transcript NM_015107.3 (MANE Select); coding-DNA position 192, one base duplicated (A; older notation c.192dupA).
Protein change: p.Arg65fs; shifts the reading frame from arginine 65.
Molecular consequence: frameshift variant.
Genome position (GRCh38, 1-based): chrX:54,022,360, T duplicated on the plus strand (A on the coding strand, the reverse complement: PHF8 is on the minus strand); the first of 6 consecutive T bases (chrX:54,022,360-54,022,365); duplicating any one gives the same sequence. VCF-style (leftmost placement, unchanged base first): chrX-54022359-G-GT. GRCh37 (hg19) VCF-style: chrX-54048792-G-GT.
Other names: c.300dup, p.Arg101fs (NM_001184896.1); c.192dup, p.Arg65fs (NM_001184897.2, NM_001184898.2); short protein forms R101fs, R65fs.
Identifiers: ClinVar variation 817250 (VCV000817250.1), dbSNP rs1603339671, ClinGen allele CA915951120.

ClinVar aggregate classification (germline): Pathogenic (1 of 4 stars; one submission).

Submission:

GeneDx
Classification: Pathogenic. Last evaluated: 2018-09-27. Review status: criteria provided, single submitter. Criteria: GeneDx Variant Classification (06012015). Collection method: clinical testing. Allele origin: germline. Affected: yes.
Comment: The c.192dupA variant in the PHF8 gene has not been reported previously as a pathogenic variant nor as a benign variant, to our knowledge. The c.192dupA variant causes a frameshift starting with codon Arginine 65, changes this amino acid to a Threonine residue, and creates a premature Stop codon at position 9 of the new reading frame, denoted p.Arg65ThrfsX9. This variant is predicted to cause loss of normal protein function either through protein truncation or nonsense-mediated mRNA decay. The c.192dupA variant is not observed in large population cohorts (Lek et al., 2016). We interpret c.192dupA as a pathogenic variant.